The following is an entry in ClinVar:

ClinVar aggregate classification (germline): Likely benign. Review status: criteria provided, multiple submitters, no conflicts (2 of 4 stars). 3 submissions from 3 submitters: Likely benign (3). Last evaluated 2023-11-20.

Conditions:
Malignant hyperthermia, susceptibility to, 1 (MHS1). Also called: Anesthesia related hyperthermia; Malignant hyperpyrexia; Fulminating hyperpyrexia; Pharmacogenic myopathy; RYR1-Related Malignant Hyperthermia Susceptibility; Malignant hyperthermia suceptibility 1. Identifiers: Orphanet 423, MedGen C2930980, MONDO:0007783, OMIM 145600.
RYR1-related disorder. Also called: RYR1-related condition; RYR1-related disorders. Identifiers: MedGen CN239331.

Allele frequency attached by ClinVar (database versions not stated): gnomAD exomes below 0.00001.
gnomAD v4.1: 1 of 1,612,292 alleles (0.000062%); highest among the groups gnomAD compares: Non-Finnish European, 0.000085%; no homozygotes.

Submissions (3):

All of Us Research Program, National Institutes of Health
Classification: Likely benign for Malignant hyperthermia, susceptibility to, 1. Last evaluated: 2023-11-20. Review status: criteria provided, single submitter. Criteria: ACMG Guidelines, 2015. Collection method: clinical testing. Allele origin: germline. Inheritance: Autosomal dominant inheritance. Observed: 2 variant alleles, 2 heterozygotes.
Comment: This study involves interpretation of variants in research participants for the purpose of population health screening. Participant phenotype was not available at the time of variant classification. Additional details can be found in publication PMID: 35346344, PMCID: PMC8962531

Labcorp Genetics (formerly Invitae), Labcorp
Classification: Likely benign for RYR1-related disorder. Last evaluated: 2023-05-08. Review status: criteria provided, single submitter. Criteria: Invitae Variant Classification Sherloc (09022015). Collection method: clinical testing. Allele origin: germline.

Color Diagnostics, LLC DBA Color Health
Classification: Likely benign for Malignant hyperthermia, susceptibility to, 1. Last evaluated: 2023-04-05. Review status: criteria provided, single submitter. Criteria: ACMG Guidelines, 2015. Collection method: clinical testing. Allele origin: germline.

NM_000540.3(RYR1):c.3069C>T (p.Tyr1023=)

Gene: RYR1 (ryanodine receptor 1; plus strand). Cytogenetic location: 19q13.2.
Variant type: single nucleotide variant.
Coding change: c.3069C>T on transcript NM_000540.3 (MANE Select); coding-DNA position 3069, C replaced by T.
Protein change: p.Tyr1023=; no amino-acid change (tyrosine 1023 retained).
Molecular consequence: synonymous variant.
Genome position (GRCh38, 1-based): chr19:38,466,289, C>T. VCF-style: chr19-38466289-C-T. GRCh37 (hg19) VCF-style: chr19-38956929-C-T.
Other names: c.3069C>T, p.Tyr1023= (NM_001042723.2).
Identifiers: ClinVar variation 2881463 (VCV002881463.5), dbSNP rs2145447251, ClinGen allele CA507352857.